The following is an entry in ClinVar:

NM_030665.4(RAI1):c.2289C>T (p.Gly763=)

Gene: RAI1 (retinoic acid induced 1; plus strand). Cytogenetic location: 17p11.2.
Variant type: single nucleotide variant.
Coding change: c.2289C>T on transcript NM_030665.4 (MANE Select); coding-DNA position 2289, C replaced by T.
Protein change: p.Gly763=; no amino-acid change (glycine 763 retained).
Molecular consequence: synonymous variant.
Genome position (GRCh38, 1-based): chr17:17,795,237, C>T. VCF-style: chr17-17795237-C-T. GRCh37 (hg19) VCF-style: chr17-17698551-C-T.
Other names: c.2289C>T (NM_030665.3).
Identifiers: ClinVar variation 2047906 (VCV002047906.22), dbSNP rs373122014, ClinGen allele CA8418502.

ClinVar aggregate classification (germline): Likely benign. Review status: criteria provided, multiple submitters, no conflicts (2 of 4 stars). 3 submissions from 3 submitters: Likely benign (3). Last evaluated 2026-01-26.

Conditions:
RAI1-related disorder. Also called: RAI1-related condition.

Allele frequency attached by ClinVar (database versions not stated): ExAC 0.00001; gnomAD 0.00004; TOPMed 0.00005; ESP Exome Variant Server 0.00008.
gnomAD v4.1: 11 of 1,613,836 alleles (0.00068%); highest among the groups gnomAD compares: African/African-American, 0.0094%; no homozygotes.

Submissions (3):

PreventionGenetics, part of Exact Sciences
Classification: Likely benign for RAI1-related condition. Last evaluated: 2026-01-26. Review status: criteria provided, single submitter. Criteria: ACMG Guidelines, 2015. Collection method: clinical testing. Allele origin: germline.
Comment: This variant is classified as likely benign based on ACMG/AMP sequence variant interpretation guidelines (Richards et al. 2015 PMID: 25741868, with internal and published modifications).

Labcorp Genetics (formerly Invitae), Labcorp
Classification: Likely benign. Last evaluated: 2025-10-02. Review status: criteria provided, single submitter. Criteria: Invitae Variant Classification Sherloc (09022015). Collection method: clinical testing. Allele origin: germline.

CeGaT Center for Human Genetics Tuebingen
Classification: Likely benign. Last evaluated: 2024-11-01. Review status: criteria provided, single submitter. Criteria: CeGaT Center For Human Genetics Tuebingen Variant Classification Criteria Version 2. Collection method: clinical testing. Allele origin: germline. Affected: yes. Observed: 1 variant allele.
Comment: RAI1: BP4, BP7